The following is an entry in ClinVar:

ClinVar aggregate classification (germline): Uncertain significance. Review status: criteria provided, multiple submitters, no conflicts (2 of 4 stars). 3 submissions from 3 submitters: Uncertain significance (3). Last evaluated 2025-12-11.

Conditions:
Inborn genetic diseases. Identifiers: MedGen C0950123, MeSH D030342.
Malignant hyperthermia, susceptibility to, 5 (MHS5). Also called: CACNA1S-Related Malignant Hyperthermia Susceptibility. Identifiers: Orphanet 423, MedGen C1866077, MONDO:0011163, OMIM 601887.
Hypokalemic periodic paralysis, type 1. Also called: HypoPP; Hypokalemic Periodic Paralysis Type 1 (AD). Identifiers: Orphanet 681, MedGen C3714580, MONDO:0042979, OMIM 170400.

Allele frequency attached by ClinVar (database versions not stated): TOPMed below 0.00001; gnomAD 0.00001; ExAC 0.00002; gnomAD exomes 0.00002.
gnomAD v4.1: 3 of 1,613,848 alleles (0.00019%); highest among the groups gnomAD compares: Non-Finnish European, 0.00025%; no homozygotes.

Submissions (3):

Ambry Genetics
Classification: Uncertain significance for Inborn genetic diseases. Last evaluated: 2025-12-11. Review status: criteria provided, single submitter. Criteria: Ambry Variant Classification Scheme 2023. Collection method: clinical testing. Allele origin: germline.

All of Us Research Program, National Institutes of Health
Classification: Uncertain significance for Malignant hyperthermia, susceptibility to, 5. Last evaluated: 2023-11-30. Review status: criteria provided, single submitter. Criteria: ACMG Guidelines, 2015. Collection method: clinical testing. Allele origin: germline. Inheritance: Autosomal dominant inheritance. Observed: 1 variant allele, 1 heterozygote.
Comment: This study involves interpretation of variants in research participants for the purpose of population health screening. Participant phenotype was not available at the time of variant classification. Additional details can be found in publication PMID: 35346344, PMCID: PMC8962531

Labcorp Genetics (formerly Invitae), Labcorp
Classification: Uncertain significance for Hypokalemic periodic paralysis, type 1; Malignant hyperthermia, susceptibility to, 5. Last evaluated: 2022-11-29. Review status: criteria provided, single submitter. Criteria: Invitae Variant Classification Sherloc (09022015). Collection method: clinical testing. Allele origin: germline.
Comment: This variant is present in population databases (rs756619964, gnomAD 0.004%). This variant has not been reported in the literature in individuals affected with CACNA1S-related conditions. ClinVar contains an entry for this variant (Variation ID: 1009595). Advanced modeling of protein sequence and biophysical properties (such as structural, functional, and spatial information, amino acid conservation, physicochemical variation, residue mobility, and thermodynamic stability) performed at Invitae indicates that this missense variant is not expected to disrupt CACNA1S protein function. In summary, the available evidence is currently insufficient to determine the role of this variant in disease. Therefore, it has been classified as a Variant of Uncertain Significance. This sequence change replaces asparagine, which is neutral and polar, with lysine, which is basic and polar, at codon 38 of the CACNA1S protein (p.Asn38Lys).

NM_000069.3(CACNA1S):c.114C>A (p.Asn38Lys)

Gene: CACNA1S (calcium voltage-gated channel subunit alpha1 S; minus strand). Cytogenetic location: 1q32.1.
Variant type: single nucleotide variant.
Coding change: c.114C>A on transcript NM_000069.3 (MANE Select); coding-DNA position 114, C replaced by A.
Protein change: p.Asn38Lys; replaces asparagine 38 with lysine.
Molecular consequence: missense variant.
Genome position (GRCh38, 1-based): chr1:201,112,226, G>T on the plus strand (C>A on the coding strand, the complement: CACNA1S is on the minus strand). VCF-style: chr1-201112226-G-T. GRCh37 (hg19) VCF-style: chr1-201081354-G-T.
Other names: c.114C>A (NM_000069.2); short protein forms N38K.
Identifiers: ClinVar variation 1009595 (VCV001009595.10), dbSNP rs756619964, ClinGen allele CA077975.